The following is an entry in ClinVar:

NM_000321.3(RB1):c.-104_-103insTTTTTTTTTTTTTTTTTTTTNNNNNNNNNNGTTTCACCGTTTTAGCCGGGATGGTCTCGATCTCCTGACCTCGTGATCCGCCCGCCTCGGCCTCCCAAAGTGTGAAATTATTTTT

Gene: RB1 (RB transcriptional corepressor 1; plus strand). Cytogenetic location: 13q14.2.
Variant type: Insertion.
Coding change: c.-104_-103insTTTTTTTTTTTTTTTTTTTTNNNNNNNNNNGTTTCACCGTTTTAGCCGGGATGGTCTCGATCTCCTGACCTCGTGATCCGCCCGCCTCGGCCTCCCAAAGTGTGAAATTATTTTT on transcript NM_000321.3 (MANE Select); 104 bases upstream of the start codon through 103 bases upstream of the start codon, TTTTTTTTTTTTTTTTTTTTNNNNNNNNNNGTTTCACCGTTTTAGCCGGGATGGTCTCGATCTCCTGACCTCGTGATCCGCCCGCCTCGGCCTCCCAAAGTGTGAAATTATTTTT inserted.
Molecular consequence: 5 prime UTR variant.
Genome position: GRCh38: chr13:48,303,809-48,303,810. GRCh37 (hg19): chr13:48,877,945-48,877,946.
Other names: c.-104_-103insTTTTTTTTTTTTTTTTTTTTNNNNNNNNNNGTTTCACCGTTTTAGCCGGGATGGTCTCGATCTCCTGACCTCGTGATCCGCCCGCCTCGGCCTCCCAAAGTGTGAAATTATTTTT (NM_001407165.1, NM_001407166.1, NM_001407167.1).
Identifiers: ClinVar variation 4723498 (VCV004723498.1).

ClinVar aggregate classification (germline): Uncertain significance (1 of 4 stars; one submission).

Conditions:
Retinoblastoma (RB1). Also called: RETINOBLASTOMA, SOMATIC. Identifiers: Orphanet 790, MedGen C0035335, MeSH D012175, MONDO:0008380, OMIM 180200, HP:0009919. Disease mechanism: loss of function. Inheritance: Both sporadic and heritable forms are tested..

Submission:

Labcorp Genetics (formerly Invitae), Labcorp
Classification: Uncertain significance for Retinoblastoma. Last evaluated: 2025-07-19. Review status: criteria provided, single submitter. Criteria: Invitae Variant Classification Sherloc (09022015). Collection method: clinical testing. Allele origin: germline.
Comment: This variant occurs in a non-coding region of the RB1 gene. It does not change the encoded amino acid sequence of the RB1 protein. This variant is not present in population databases (gnomAD no frequency). This variant has not been reported in the literature in individuals affected with RB1-related conditions. Experimental studies and prediction algorithms are not available or were not evaluated, and the functional significance of this variant is currently unknown. In summary, the available evidence is currently insufficient to determine the role of this variant in disease. Therefore, it has been classified as a Variant of Uncertain Significance.